The following is an entry in ClinVar:

NM_001033855.3(DCLRE1C):c.363-2A>C

Gene: DCLRE1C (DNA cross-link repair 1C; minus strand). Cytogenetic location: 10p13.
Variant type: single nucleotide variant.
Coding change: c.363-2A>C on transcript NM_001033855.3 (MANE Select); the canonical splice acceptor site of the intron before coding-DNA position 363, A replaced by C.
Molecular consequence: splice acceptor variant.
Genome position (GRCh38, 1-based): chr10:14,935,566, T>G on the plus strand (A>C on the coding strand, the complement: DCLRE1C is on the minus strand). VCF-style: chr10-14935566-T-G. GRCh37 (hg19) VCF-style: chr10-14977565-T-G.
Other names: c.18-2A>C (NM_001350966.2, NM_001289078.2, NM_001289076.2 and 1 more transcripts); c.363-2A>C (NM_001350965.2); c.3-2A>C (NM_001350967.2, NM_001289077.2, NM_001289079.2 and 2 more transcripts).
Identifiers: ClinVar variation 4814553 (VCV004814553.1).

ClinVar aggregate classification (germline): Likely pathogenic (1 of 4 stars; one submission).

Conditions:
Athabaskan severe combined immunodeficiency (SCIDA). Also called: Severe combined immunodeficiency, athabascan-type. Identifiers: MedGen C1865370.

Submission:

Natera, Inc.
Classification: Likely pathogenic for Athabascan severe combined immunodeficiency. Last evaluated: 2025-08-26. Review status: criteria provided, single submitter. Criteria: Natera Variant Classification Schema (03/2026). Collection method: clinical testing. Allele origin: germline.
Comment: The c.363-2A>C variant in DCLRE1C is a canonical splice acceptor site variant predicted to affect pre-mRNA splicing, which may result in an abnormal transcript and altered protein product. This variant is expected to result in nonsense mediated decay, truncation, or a dysfunctional protein product. This variant is rare in the general population with a frequency below the threshold expected for the associated phenotype(s). Given the available evidence, this variant is classified as Likely Pathogenic.